The following is an entry in ClinVar:

ClinVar aggregate classification (germline): Uncertain significance (1 of 4 stars; one submission).

Conditions:
Nephrotic syndrome, type 2 (NPHS2). Also called: NEPHROTIC SYNDROME, STEROID-RESISTANT, AUTOSOMAL RECESSIVE. Identifiers: Orphanet 656, MedGen C1868672, MONDO:0010974, OMIM 600995.

Submission:

Myriad Genetics, Inc.
Classification: Uncertain significance for Nephrotic syndrome, type 2. Last evaluated: 2026-03-09. Review status: criteria provided, single submitter. Criteria: Myriad Autosomal Dominant, Autosomal Recessive and X-Linked Classification Criteria (2023). Collection method: clinical testing. Allele origin: unknown.
Comment: NM_014625.2(NPHS2):c.587G>A(R196Q) is a missense variant classified as a variant of uncertain significance in the context of nephrotic syndrome, NPHS2-related. R196Q has been observed in a case with relevant disease (PMID: 38972501). Relevant functional assessments of this variant are not available in the literature. R196Q has not been observed in referenced population frequency databases. In summary, there is insufficient evidence to classify NM_014625.2(NPHS2):c.587G>A(R196Q) as pathogenic or benign. Please note: this variant was assessed in the context of healthy population screening.

Literature cited by the submitters: PubMed 38972501.

NM_014625.4(NPHS2):c.587G>A (p.Arg196Gln)

Gene: NPHS2 (NPHS2 stomatin family member, podocin; minus strand). Cytogenetic location: 1q25.2.
Variant type: single nucleotide variant.
Coding change: c.587G>A on transcript NM_014625.4 (MANE Select); coding-DNA position 587, G replaced by A.
Protein change: p.Arg196Gln; replaces arginine 196 with glutamine.
Molecular consequence: missense variant. On other transcripts: intron variant (1).
Genome position (GRCh38, 1-based): chr1:179,557,178, C>T on the plus strand (G>A on the coding strand, the complement: NPHS2 is on the minus strand). VCF-style: chr1-179557178-C-T. GRCh37 (hg19) VCF-style: chr1-179526313-C-T.
Other names: c.534+2501G>A (NM_001297575.2); short protein forms R196Q.
Identifiers: ClinVar variation 5004904 (VCV005004904.1).